The following is an entry in ClinVar:

ClinVar aggregate classification (germline): Likely pathogenic. Review status: criteria provided, multiple submitters, no conflicts (2 of 4 stars). 3 submissions from 3 submitters: Likely pathogenic (3). Last evaluated 2026-03-01.

Conditions:
FARSA-related disorder. Also called: FARSA-related condition.
Rajab interstitial lung disease with brain calcifications 2. Identifiers: MedGen C5436603, MONDO:0100220, OMIM 619013.

Allele frequency attached by ClinVar (database versions not stated): ExAC 0.00006; ESP Exome Variant Server 0.00008; TOPMed 0.00012; gnomAD exomes 0.00013; gnomAD 0.00015; 1000 Genomes Project 30x 0.00016; 1000 Genomes Project 0.00020.

Submissions (3):

CeGaT Center for Human Genetics Tuebingen
Classification: Likely pathogenic. Last evaluated: 2026-03-01. Review status: criteria provided, single submitter. Criteria: CeGaT Center For Human Genetics Tuebingen Variant Classification Criteria Version 2. Collection method: clinical testing. Allele origin: germline. Affected: yes. Observed: 1 variant allele.
Comment: FARSA: PM1, PM2, PM3:Supporting, PP3, PS3:Supporting

Blueprint Genetics
Classification: Likely pathogenic for FARSA-related disorders. Last evaluated: 2024-06-24. Review status: criteria provided, single submitter. Criteria: ACMG Guidelines, 2015. Collection method: clinical testing. Allele origin: germline. Affected: yes. Observed: 5 variant alleles.

Molecular Genetics, Royal Melbourne Hospital
Classification: Likely pathogenic for Rajab interstitial lung disease with brain calcifications 2. Last evaluated: 2022-12-23. Review status: criteria provided, single submitter. Criteria: ACMG Guidelines, 2015. Collection method: clinical testing. Allele origin: germline.
Comment: This sequence change in FARSA is predicted to replace proline with leucine at codon 347, p.(Pro347Leu). The proline residue is highly conserved (100 vertebrates, UCSC), and is a residue located at the heterodimer interface in the AA tRNA Ligase II domain (PMID: 35918773). There is a moderate physicochemical difference between proline and leucine. The highest population minor allele frequency in gnomAD v2.1 is 0.02% (21/126,978 alleles) in the European (non-Finnish) population, which is consistent with recessive disease. This variant has been detected in at least two probands compound heterozygous with a variant of uncertain significance (confirmed in trans) with a systemic disorder that included failure to thrive, hepatic dysfunction and progressive interstitial lung disease, and segregated in two affected family members from a single family (PMID: 35918773). An in vitro assay of heterotetramerisation showed the variant failed to form a heteromer with FARSB indicating that this variant impacts protein function (PMID: 35918773). Multiple lines of computational evidence predict a deleterious effect for the missense substitution (5/6 algorithms). Based on the classification scheme RMH Modified ACMG Guidelines v1.5.1, this variant is classified as LIKELY PATHOGENIC. Following criteria are met: PS3_Supporting, PM1_Supporting, PM2_Supporting, PM3_Supporting, PP1, PP3.

Literature cited by the submitters: PubMed 35918773 (cited by Molecular Genetics, Royal Melbourne Hospital).

NM_004461.3(FARSA):c.1040C>T (p.Pro347Leu)

Gene: FARSA (phenylalanyl-tRNA synthetase subunit alpha; minus strand). Cytogenetic location: 19p13.13.
Variant type: single nucleotide variant.
Coding change: c.1040C>T on transcript NM_004461.3 (MANE Select); coding-DNA position 1040, C replaced by T.
Protein change: p.Pro347Leu; replaces proline 347 with leucine.
Molecular consequence: missense variant.
Genome position (GRCh38, 1-based): chr19:12,924,794, G>A on the plus strand (C>T on the coding strand, the complement: FARSA is on the minus strand). VCF-style: chr19-12924794-G-A. GRCh37 (hg19) VCF-style: chr19-13035608-G-A.
Other names: short protein forms P347L.
Identifiers: ClinVar variation 3068592 (VCV003068592.6), dbSNP rs139805483, ClinGen allele CA9235162.